The following is an entry in ClinVar:

NM_022114.4(PRDM16):c.700G>T (p.Glu234Ter)

Gene: PRDM16 (PR/SET domain 16; plus strand). Cytogenetic location: 1p36.32.
Variant type: single nucleotide variant.
Coding change: c.700G>T on transcript NM_022114.4 (MANE Select); coding-DNA position 700, G replaced by T.
Protein change: p.Glu234Ter; replaces glutamic acid 234 with a stop codon.
Molecular consequence: nonsense.
Genome position (GRCh38, 1-based): chr1:3,402,814, G>T. VCF-style: chr1-3402814-G-T. GRCh37 (hg19) VCF-style: chr1-3319378-G-T.
Other names: c.700G>T, p.Glu234Ter (NM_199454.3); short protein forms E234*.
Identifiers: ClinVar variation 2714405 (VCV002714405.3), dbSNP rs367748143, ClinGen allele CA338003017.

ClinVar aggregate classification (germline): Uncertain significance (1 of 4 stars; one submission).

Conditions:
Left ventricular noncompaction 8 (LVNC8). Identifiers: Orphanet 154, Orphanet 54260, MedGen C3809288, MONDO:0014152, OMIM 615373.

Submission:

Labcorp Genetics (formerly Invitae), Labcorp
Classification: Uncertain significance for Left ventricular noncompaction 8. Last evaluated: 2024-01-31. Review status: criteria provided, single submitter. Criteria: Invitae Variant Classification Sherloc (09022015). Collection method: clinical testing. Allele origin: germline.
Comment: This sequence change creates a premature translational stop signal (p.Glu234*) in the PRDM16 gene. It is expected to result in an absent or disrupted protein product. However, the current clinical and genetic evidence is not sufficient to establish whether loss-of-function variants in PRDM16 cause disease. This variant is not present in population databases (gnomAD no frequency). This variant has not been reported in the literature in individuals affected with PRDM16-related conditions. In summary, the available evidence is currently insufficient to determine the role of this variant in disease. Therefore, it has been classified as a Variant of Uncertain Significance.